The following is an entry in ClinVar:

NM_005475.3(SH2B3):c.1281G>C (p.Gln427His)

Gene: SH2B3 (SH2B adaptor protein 3; plus strand). Cytogenetic location: 12q24.12.
Variant type: single nucleotide variant.
Coding change: c.1281G>C on transcript NM_005475.3 (MANE Select); coding-DNA position 1281, G replaced by C.
Protein change: p.Gln427His; replaces glutamine 427 with histidine.
Molecular consequence: missense variant.
Genome position (GRCh38, 1-based): chr12:111,447,700, G>C. VCF-style: chr12-111447700-G-C. GRCh37 (hg19) VCF-style: chr12-111885504-G-C.
Other names: c.675G>C, p.Gln225His (NM_001291424.1); short protein forms Q225H, Q427H.
Identifiers: ClinVar variation 3795088 (VCV003795088.1).

ClinVar aggregate classification (germline): Uncertain significance (1 of 4 stars; one submission).

Conditions:
Inborn genetic diseases. Identifiers: MedGen C0950123, MeSH D030342.

Submission:

Ambry Genetics
Classification: Uncertain significance for Inborn genetic diseases. Last evaluated: 2025-01-08. Review status: criteria provided, single submitter. Criteria: Ambry Variant Classification Scheme 2023. Collection method: clinical testing. Allele origin: germline.
Comment: The p.Q427H variant (also known as c.1281G>C), located in coding exon 6 of the SH2B3 gene, results from a G to C substitution at nucleotide position 1281. The glutamine at codon 427 is replaced by histidine, an amino acid with highly similar properties. This amino acid position is conserved. In addition, the in silico prediction for this alteration is inconclusive. Based on the available evidence, the clinical significance of this variant remains unclear.